The following is an entry in ClinVar:

NM_020207.7(ERCC6L2):c.2671A>T (p.Ile891Phe)

Gene: ERCC6L2 (ERCC excision repair 6 like 2; plus strand). Cytogenetic location: 9q22.32.
Variant type: single nucleotide variant.
Coding change: c.2671A>T on transcript NM_020207.7 (MANE Select); coding-DNA position 2671, A replaced by T.
Protein change: p.Ile891Phe; replaces isoleucine 891 with phenylalanine.
Molecular consequence: missense variant. On other transcripts: non-coding transcript variant (1).
Genome position (GRCh38, 1-based): chr9:95,972,422, A>T. VCF-style: chr9-95972422-A-T. GRCh37 (hg19) VCF-style: chr9-98734704-A-T.
Other names: c.2671A>T, p.Ile891Phe (NM_001375291.1, NM_001375292.1, NM_001375293.1 and 1 more transcripts); short protein forms I891F.
Identifiers: ClinVar variation 1495646 (VCV001495646.6), dbSNP rs1202172083, ClinGen allele CA2573144790.

ClinVar aggregate classification (germline): Uncertain significance (1 of 4 stars; one submission).

Submission:

Labcorp Genetics (formerly Invitae), Labcorp
Classification: Uncertain significance. Last evaluated: 2022-10-18. Review status: criteria provided, single submitter. Criteria: Invitae Variant Classification Sherloc (09022015). Collection method: clinical testing. Allele origin: germline.
Comment: ClinVar contains an entry for this variant (Variation ID: 1495646). In summary, the available evidence is currently insufficient to determine the role of this variant in disease. Therefore, it has been classified as a Variant of Uncertain Significance. Algorithms developed to predict the effect of missense changes on protein structure and function are either unavailable or do not agree on the potential impact of this missense change (SIFT: "Tolerated"; PolyPhen-2: "Not Available"; Align-GVGD: "Class C0"). This variant has not been reported in the literature in individuals affected with ERCC6L2-related conditions. This variant is not present in population databases (gnomAD no frequency). This sequence change replaces isoleucine, which is neutral and non-polar, with phenylalanine, which is neutral and non-polar, at codon 902 of the ERCC6L2 protein (p.Ile902Phe).